The following is an entry in ClinVar:

NM_000179.3(MSH6):c.161G>A (p.Gly54Glu)

Gene: MSH6 (mutS homolog 6; plus strand). Cytogenetic location: 2p16.3.
Variant type: single nucleotide variant.
Coding change: c.161G>A on transcript NM_000179.3 (MANE Select); coding-DNA position 161, G replaced by A.
Protein change: p.Gly54Glu; replaces glycine 54 with glutamic acid.
Molecular consequence: missense variant. On other transcripts: 5 prime UTR variant (7), non-coding transcript variant (5), intron variant (5).
Genome position (GRCh38, 1-based): chr2:47,783,394, G>A. VCF-style: chr2-47783394-G-A. GRCh37 (hg19) VCF-style: chr2-48010533-G-A.
Other names: c.161G>A, p.Gly54Glu (NM_001281492.2, NM_001406795.1, NM_001406796.1 and 9 more transcripts); c.-576G>A (NM_001281493.2, NM_001406811.1); c.-168G>A (NM_001406799.1); c.106G>A, p.Gly36Ser (NM_001406804.1); c.-768G>A (NM_001406807.1); c.-423G>A (NM_001406812.1); c.-834G>A (NM_001406814.1); c.-379G>A (NM_001406816.1); and 3 more; short protein forms G36S, G54E.
Identifiers: ClinVar variation 2698888 (VCV002698888.3), dbSNP rs63751098, ClinGen allele CA346734968.
Genomic context (GRCh38, chr2:47,783,394, plus strand): 5'-CCGCCGCTGCCCCCGGGGCCTCTCCTTCCCCAGGCGGGGATGCGGCCTGGAGCGAGGCTG[G>A]GCCTGGGCCCAGGCCCTTGGCGCGCTCCGCGTCACCGCCCAAGGCGAAGAACCTCAACGG-3'
Protein context (NP_000170.1, residues 44-64): PGGDAAWSEA[Gly54Glu]PGPRPLARSA

ClinVar aggregate classification (germline): Uncertain significance (1 of 4 stars; one submission).

Conditions:
Hereditary nonpolyposis colorectal neoplasms. Identifiers: MedGen C0009405, MeSH D003123.

gnomAD v4.1: 1 of 1,574,636 alleles (0.000064%); highest among the groups gnomAD compares: African/African-American, 0.0014%; no homozygotes.

Submission:

Labcorp Genetics (formerly Invitae), Labcorp
Classification: Uncertain significance for Hereditary nonpolyposis colorectal neoplasms. Last evaluated: 2023-11-25. Review status: criteria provided, single submitter. Criteria: Invitae Variant Classification Sherloc (09022015). Collection method: clinical testing. Allele origin: germline.
Comment: This sequence change replaces glycine, which is neutral and non-polar, with glutamic acid, which is acidic and polar, at codon 54 of the MSH6 protein (p.Gly54Glu). This variant is not present in population databases (gnomAD no frequency). This variant has not been reported in the literature in individuals affected with MSH6-related conditions. Advanced modeling of protein sequence and biophysical properties (such as structural, functional, and spatial information, amino acid conservation, physicochemical variation, residue mobility, and thermodynamic stability) performed at Invitae indicates that this missense variant is not expected to disrupt MSH6 protein function with a negative predictive value of 95%. In summary, the available evidence is currently insufficient to determine the role of this variant in disease. Therefore, it has been classified as a Variant of Uncertain Significance.